The following is an entry in ClinVar:

ClinVar aggregate classification (germline): Pathogenic (1 of 4 stars; one submission).

Conditions:
Hereditary hemochromatosis (HFE). Identifiers: MedGen C0392514, MONDO:0006507. Disease mechanism: loss of function.

Submission:

Labcorp Genetics (formerly Invitae), Labcorp
Classification: Pathogenic for Hereditary hemochromatosis. Last evaluated: 2023-11-01. Review status: criteria provided, single submitter. Criteria: Invitae Variant Classification Sherloc (09022015). Collection method: clinical testing. Allele origin: germline.
Comment: This sequence change creates a premature translational stop signal (p.Tyr693*) in the TFR2 gene. It is expected to result in an absent or disrupted protein product. Loss-of-function variants in TFR2 are known to be pathogenic (PMID: 23600741, 26029709). This variant is not present in population databases (gnomAD no frequency). This variant has not been reported in the literature in individuals affected with TFR2-related conditions. For these reasons, this variant has been classified as Pathogenic.

Literature cited by the submitters: PubMed 23600741; PubMed 26029709.

NM_003227.4(TFR2):c.2079C>G (p.Tyr693Ter)

Genes: TFR2 (transferrin receptor 2; minus strand), LOC113687175 (Sharpr-MPRA regulatory region 4647; plus strand). Cytogenetic location: 7q22.1.
Variant type: single nucleotide variant.
Coding change: c.2079C>G on transcript NM_003227.4 (MANE Select); coding-DNA position 2079, C replaced by G.
Protein change: p.Tyr693Ter; replaces tyrosine 693 with a stop codon.
Molecular consequence: nonsense.
Genome position (GRCh38, 1-based): chr7:100,626,820, G>C on the plus strand (C>G on the coding strand, the complement: TFR2 is on the minus strand). VCF-style: chr7-100626820-G-C. GRCh37 (hg19) VCF-style: chr7-100224443-G-C.
Other names: c.1566C>G, p.Tyr522Ter (NM_001206855.3); short protein forms Y693*, Y522*.
Identifiers: ClinVar variation 2692606 (VCV002692606.3), dbSNP rs2486114991, ClinGen allele CA368522811.